The following is an entry in ClinVar:

NM_001256071.3(RNF213):c.9504G>A (p.Arg3168=)

Gene: RNF213 (ring finger protein 213; plus strand). Cytogenetic location: 17q25.3.
Variant type: single nucleotide variant.
Coding change: c.9504G>A on transcript NM_001256071.3 (MANE Select); coding-DNA position 9504, G replaced by A.
Protein change: p.Arg3168=; no amino-acid change (arginine 3168 retained).
Molecular consequence: synonymous variant.
Genome position (GRCh38, 1-based): chr17:80,347,839, G>A. VCF-style: chr17-80347839-G-A. GRCh37 (hg19) VCF-style: chr17-78321639-G-A.
Other names: c.9651G>A, p.Arg3217= (NM_001410195.1, NM_020914.5).
Identifiers: ClinVar variation 3033596 (VCV003033596.4), dbSNP rs775149654, ClinGen allele CA8821136.

ClinVar aggregate classification (germline): Likely benign. Review status: criteria provided, single submitter (1 of 4 stars). 2 submissions from 2 submitters: Likely benign (1). 1 of the submissions does not count toward it. Last evaluated 2024-12-02.

Conditions:
RNF213-related disorder. Also called: RNF213-related condition.

Allele frequency attached by ClinVar (database versions not stated): gnomAD 0.00001; ExAC 0.00002; TOPMed 0.00006.
gnomAD v4.1: 10 of 1,614,012 alleles (0.00062%); highest among the groups gnomAD compares: Admixed American, 0.0083%; no homozygotes.

Submissions (2):

Labcorp Genetics (formerly Invitae), Labcorp
Classification: Likely benign. Last evaluated: 2024-12-02. Review status: criteria provided, single submitter. Criteria: Invitae Variant Classification Sherloc (09022015). Collection method: clinical testing. Allele origin: germline.

PreventionGenetics, part of Exact Sciences
Classification: Likely benign for RNF213-related condition. Last evaluated: 2019-06-18. Review status: no assertion criteria provided. Collection method: clinical testing. Allele origin: germline. Not counted in ClinVar's aggregate classification.
Comment: This variant is classified as likely benign based on ACMG/AMP sequence variant interpretation guidelines (Richards et al. 2015 PMID: 25741868, with internal and published modifications).